The following is an entry in ClinVar:

ClinVar aggregate classification (germline): Uncertain significance (1 of 4 stars; one submission).

Submission:

Labcorp Genetics (formerly Invitae), Labcorp
Classification: Uncertain significance. Last evaluated: 2023-12-12. Review status: criteria provided, single submitter. Criteria: Invitae Variant Classification Sherloc (09022015). Collection method: clinical testing. Allele origin: germline.
Comment: This sequence change falls in intron 34 of the EIF2AK4 gene. It does not directly change the encoded amino acid sequence of the EIF2AK4 protein. Information on the frequency of this variant in the gnomAD database is not available, as this variant may be reported differently in the database. This variant has been observed in individual(s) with pulmonary arterial hypertension (Invitae). In summary, the available evidence is currently insufficient to determine the role of this variant in disease. Therefore, it has been classified as a Variant of Uncertain Significance.

NM_001013703.4(EIF2AK4):c.4562-9_4562-8delinsGT

Gene: EIF2AK4 (eukaryotic translation initiation factor 2 alpha kinase 4; plus strand). Cytogenetic location: 15q15.1.
Variant type: Indel.
Coding change: c.4562-9_4562-8delinsGT on transcript NM_001013703.4 (MANE Select); 9 bases into the intron before coding-DNA position 4562 through 8 bases into the intron before coding-DNA position 4562, TG replaced by GT.
Molecular consequence: intron variant.
Genome position (GRCh38, 1-based): chr15:40,030,350-40,030,351, TG replaced by GT. VCF-style: chr15-40030350-TG-GT. GRCh37 (hg19) VCF-style: chr15-40322551-TG-GT.
Identifiers: ClinVar variation 2954948 (VCV002954948.3), dbSNP rs2504654134, ClinGen allele CA2740097252.